The following is an entry in ClinVar:

NM_001128178.3(NPHP1):c.1520A>G (p.Asn507Ser)

Gene: NPHP1 (nephrocystin 1; minus strand). Cytogenetic location: 2q13.
Variant type: single nucleotide variant.
Coding change: c.1520A>G on transcript NM_001128178.3 (MANE Select); coding-DNA position 1520, A replaced by G.
Protein change: p.Asn507Ser; replaces asparagine 507 with serine.
Molecular consequence: missense variant.
Genome position (GRCh38, 1-based): chr2:110,143,551, T>C on the plus strand (A>G on the coding strand, the complement: NPHP1 is on the minus strand). VCF-style: chr2-110143551-T-C. GRCh37 (hg19) VCF-style: chr2-110901128-T-C.
Other names: c.1688A>G (NM_000272.4); c.1688A>G, p.Asn563Ser (NM_000272.5); c.1331A>G, p.Asn444Ser (NM_001128179.3); c.1517A>G, p.Asn506Ser (NM_001374256.1); c.1520A>G, p.Asn507Ser (NM_001374257.1); c.1685A>G, p.Asn562Ser (NM_207181.4); short protein forms N562S, N563S, N444S, N506S, N507S.
Identifiers: ClinVar variation 1462000 (VCV001462000.4), dbSNP rs35638834, ClinGen allele CA53533958.
Genomic context (GRCh38, chr2:110,143,551, plus strand): 5'-CAAGTGCTGAATGATCCCAAATTCACTGGACAGGTAAAAGCAGGTACCCACCTTAGTACA[T>C]TTCTTGATCTTCTGTTCAAGGATCTCAGTTTCACTAGAAGTTGAGGCTGCCTTCTCATTG-3'
Protein context (NP_001121650.1, residues 497-517): KLRSLNRRSR[Asn507Ser]VLSLLPETLI

ClinVar aggregate classification (germline): Uncertain significance. Review status: criteria provided, multiple submitters, no conflicts (2 of 4 stars). 2 submissions from 2 submitters: Uncertain significance (2). Last evaluated 2024-05-28.

Conditions:
Nephronophthisis 1 (NPHP1). Also called: Nephronophthisis familial juvenile. Identifiers: Orphanet 655, Orphanet 93592, MedGen C1855681, MONDO:0009728, OMIM 256100.
Joubert syndrome with renal defect. Also called: JOUBERT SYNDROME 4. Identifiers: Orphanet 220497, MedGen C1846790, MONDO:0012308, OMIM 609583.
Senior-Loken syndrome 1 (SLSN1). Also called: JUVENILE NEPHRONOPHTHISIS WITH LEBER AMAUROSIS. Identifiers: Orphanet 3156, MedGen C4551559, MONDO:0009962, OMIM 266900.
Nephronophthisis. Also called: Juvenile Nephronophthisis. Identifiers: Orphanet 655, MedGen C0687120, MONDO:0019005, HP:0000090.

Allele frequency attached by ClinVar (database versions not stated): gnomAD exomes below 0.00001; gnomAD 0.00001; TOPMed 0.00001.
gnomAD v4.1: 4 of 1,610,708 alleles (0.00025%); highest among the groups gnomAD compares: African/African-American, 0.0027%; no homozygotes.

Submissions (2):

Fulgent Genetics
Classification: Uncertain significance for Nephronophthisis 1; Senior-Loken syndrome 1; Joubert syndrome with renal defect. Last evaluated: 2024-05-28. Review status: criteria provided, single submitter. Criteria: ACMG Guidelines, 2015. Collection method: clinical testing. Allele origin: germline.

Labcorp Genetics (formerly Invitae), Labcorp
Classification: Uncertain significance for Nephronophthisis. Last evaluated: 2021-11-12. Review status: criteria provided, single submitter. Criteria: Invitae Variant Classification Sherloc (09022015). Collection method: clinical testing. Allele origin: germline.
Comment: This sequence change replaces asparagine, which is neutral and polar, with serine, which is neutral and polar, at codon 563 of the NPHP1 protein (p.Asn563Ser). This variant is present in population databases (rs35638834, gnomAD 0.008%). This variant has not been reported in the literature in individuals affected with NPHP1-related conditions. Algorithms developed to predict the effect of missense changes on protein structure and function output the following: SIFT: "Tolerated"; PolyPhen-2: "Benign"; Align-GVGD: "Class C0". The serine amino acid residue is found in multiple mammalian species, which suggests that this missense change does not adversely affect protein function. In summary, the available evidence is currently insufficient to determine the role of this variant in disease. Therefore, it has been classified as a Variant of Uncertain Significance.